The following is an entry in ClinVar:

NM_001005361.3(DNM2):c.2152C>T (p.Arg718Trp)

Gene: DNM2 (dynamin 2; plus strand). Cytogenetic location: 19p13.2.
Variant type: single nucleotide variant.
Coding change: c.2152C>T on transcript NM_001005361.3 (MANE Select); coding-DNA position 2152, C replaced by T.
Protein change: p.Arg718Trp; replaces arginine 718 with tryptophan.
Molecular consequence: missense variant.
Genome position (GRCh38, 1-based): chr19:10,829,129, C>T. VCF-style: chr19-10829129-C-T. GRCh37 (hg19) VCF-style: chr19-10939805-C-T.
Other names: c.2152C>T, p.Arg718Trp (NM_001005360.3, NM_001190716.2); c.2140C>T, p.Arg714Trp (NM_001005362.3, NM_004945.4); short protein forms R714W, R718W.
Identifiers: ClinVar variation 863170 (VCV000863170.10), dbSNP rs763927287, ClinGen allele CA9201535.

ClinVar aggregate classification (germline): Uncertain significance. Review status: criteria provided, multiple submitters, no conflicts (2 of 4 stars). 2 submissions from 2 submitters: Uncertain significance (2). Last evaluated 2021-05-06.

Conditions:
Charcot-Marie-Tooth disease dominant intermediate B (CMTDIB). Also called: CHARCOT-MARIE-TOOTH NEUROPATHY, DOMINANT INTERMEDIATE B; Charcot-Marie-Tooth disease dominant intermediate 1; CMT DI1; Charcot-Marie-Tooth disease dominant intermediate I. Identifiers: Orphanet 100044, Orphanet 228179, MedGen C1847902, MONDO:0011674, OMIM 606482.

Allele frequency attached by ClinVar (database versions not stated): gnomAD exomes 0.00001; TOPMed 0.00001; ExAC 0.00002.
gnomAD v4.1: 25 of 1,613,814 alleles (0.0015%); highest among the groups gnomAD compares: South Asian, 0.0022%; no homozygotes.

Submissions (2):

Victorian Clinical Genetics Services, Murdoch Childrens Research Institute
Classification: Uncertain significance for Charcot-Marie-Tooth disease dominant intermediate B. Last evaluated: 2021-05-06. Review status: criteria provided, single submitter. Criteria: ACMG Guidelines, 2015. Collection method: clinical testing. Allele origin: germline.
Comment: Based on the classification scheme VCGS_Germline_v1.3.4, this variant is classified as VUS-3B. Following criteria are met: 0101 - Gain of function is a known mechanism of disease in this gene and is associated with Centronuclear myopathy (MIM#1160150), Charcot-Marie-Tooth disease, axonal type 2M (MIM#606482), and Charcot-Marie-Tooth disease, dominant intermediate B (MIM#606482). (I) 0108 - This gene is associated with both recessive and dominant disease. DNM2 is generally associated with autosomal dominant disease, however recessive inheritance of a hypomorphic allele has been reported in a family where homozygote offspring displayed a severe lethal neonatal phenotype, and the carrier parents presented with a mild form of myopathy (OMIM). (I) 0115 - Variants in this gene are known to have variable expressivity. Interfamilial and intrafamilial variability has been reported (PMID: 22396310). (I) 0200 - Variant is predicted to result in a missense amino acid change from arginine to tryptophan. (I) 0251 - This variant is heterozygous. (I) 0302 - Variant is present in gnomAD (v2) <0.001 (2 heterozygotes, 0 homozygotes). (SP) 0309 - An alternative amino acid change at the same position has been observed in gnomAD (v2) (7 heterozygotes, 0 homozygotes). (I) 0501 - Missense variant consistently predicted to be damaging by multiple in silico tools or highly conserved with a major amino acid change. (SP) 0600 - Variant is located in the annotated GED domain (NCBI). (I) 0710 - Another missense variant comparable to the one identified in this case has inconclusive previous evidence for pathogenicity. A different variant in the same codon resulting in a change to a glutamine has been reported as a VUS in ClinVar and in a patient with centronuclear myopathy who also carried a known pathogenic variant in the DNM2 gene (PMID: 25501959). (I) 0809 - Previous evidence of pathogenicity for this variant is inconclusive. This variant has been previously reported as a VUS in ClinVar. (I) 0905 - No published segregation evidence has been identified for this variant. (I) 1007 - No published functional evidence has been identified for this variant. (I) 1208 - Inheritance information for this variant is not currently available in this individual. (I) Legend: (SP) - Supporting pathogenic, (I) - Information, (SB) - Supporting benign

Labcorp Genetics (formerly Invitae), Labcorp
Classification: Uncertain significance for Charcot-Marie-Tooth disease dominant intermediate B. Last evaluated: 2019-03-29. Review status: criteria provided, single submitter. Criteria: Invitae Variant Classification Sherloc (09022015). Collection method: clinical testing. Allele origin: germline.
Comment: This sequence change replaces arginine with tryptophan at codon 718 of the DNM2 protein (p.Arg718Trp). The arginine residue is highly conserved and there is a moderate physicochemical difference between arginine and tryptophan. This variant is present in population databases (rs763927287, ExAC 0.003%). In summary, the available evidence is currently insufficient to determine the role of this variant in disease. Therefore, it has been classified as a Variant of Uncertain Significance. Algorithms developed to predict the effect of missense changes on protein structure and function are either unavailable or do not agree on the potential impact of this missense change (SIFT: "Deleterious"; PolyPhen-2: "Probably Damaging"; Align-GVGD: "Class C0"). This variant has not been reported in the literature in individuals with DNM2-related conditions.

Literature cited by the submitters: PubMed 22396310 (cited by Victorian Clinical Genetics Services, Murdoch Childrens Research Institute); PubMed 25501959 (cited by Victorian Clinical Genetics Services, Murdoch Childrens Research Institute).